The following is an entry in ClinVar:

NM_001122769.3(LCA5):c.893A>T (p.Tyr298Phe)

Gene: LCA5 (lebercilin LCA5; minus strand). Cytogenetic location: 6q14.1.
Variant type: single nucleotide variant.
Coding change: c.893A>T on transcript NM_001122769.3 (MANE Select); coding-DNA position 893, A replaced by T.
Protein change: p.Tyr298Phe; replaces tyrosine 298 with phenylalanine.
Molecular consequence: missense variant.
Genome position (GRCh38, 1-based): chr6:79,492,613, T>A on the plus strand (A>T on the coding strand, the complement: LCA5 is on the minus strand). VCF-style: chr6-79492613-T-A. GRCh37 (hg19) VCF-style: chr6-80202330-T-A.
Other names: c.893A>T, p.Tyr298Phe (NM_181714.4); short protein forms Y298F.
Identifiers: ClinVar variation 1397240 (VCV001397240.6), dbSNP rs934682734, ClinGen allele CA141863899.

ClinVar aggregate classification (germline): Uncertain significance. Review status: criteria provided, multiple submitters, no conflicts (2 of 4 stars). 2 submissions from 2 submitters: Uncertain significance (2). Last evaluated 2022-06-27.

Allele frequency attached by ClinVar (database versions not stated): gnomAD exomes 0.00001; TOPMed 0.00001.
gnomAD v4.1: 2 of 1,564,730 alleles (0.00013%); highest among the groups gnomAD compares: Admixed American, 0.0034%; no homozygotes.

Submissions (2):

Labcorp Genetics (formerly Invitae), Labcorp
Classification: Uncertain significance. Last evaluated: 2022-06-27. Review status: criteria provided, single submitter. Criteria: Invitae Variant Classification Sherloc (09022015). Collection method: clinical testing. Allele origin: germline.
Comment: This sequence change replaces tyrosine, which is neutral and polar, with phenylalanine, which is neutral and non-polar, at codon 298 of the LCA5 protein (p.Tyr298Phe). This variant is present in population databases (no rsID available, gnomAD 0.006%). This variant has not been reported in the literature in individuals affected with LCA5-related conditions. Algorithms developed to predict the effect of missense changes on protein structure and function are either unavailable or do not agree on the potential impact of this missense change (SIFT: "Deleterious"; PolyPhen-2: "Probably Damaging"; Align-GVGD: "Class C15"). In summary, the available evidence is currently insufficient to determine the role of this variant in disease. Therefore, it has been classified as a Variant of Uncertain Significance.

Blueprint Genetics
Classification: Uncertain significance. Last evaluated: 2022-01-11. Review status: criteria provided, single submitter. Criteria: ACMG Guidelines, 2015. Collection method: clinical testing. Allele origin: germline.